The following is an entry in ClinVar:

ClinVar aggregate classification (germline): Pathogenic. Review status: criteria provided, multiple submitters, no conflicts (2 of 4 stars). 2 submissions from 2 submitters: Pathogenic (2). Last evaluated 2022-03-13.

Conditions:
Cornelia de Lange syndrome 1 (CDLS1). Also called: Brachmann de Lange syndrome; NIPBL-Related Cornelia de Lange Syndrome; TYPUS DEGENERATIVUS AMSTELODAMENSIS. Identifiers: Orphanet 199, MedGen C4551851, MONDO:0007387, OMIM 122470.

Submissions (2):

Labcorp Genetics (formerly Invitae), Labcorp
Classification: Pathogenic for Cornelia de Lange syndrome 1. Last evaluated: 2022-03-13. Review status: criteria provided, single submitter. Criteria: Invitae Variant Classification Sherloc (09022015). Collection method: clinical testing. Allele origin: germline.
Comment: This variant has not been reported in the literature in individuals affected with NIPBL-related conditions. This sequence change creates a premature translational stop signal (p.Arg1381Serfs*7) in the NIPBL gene. It is expected to result in an absent or disrupted protein product. Loss-of-function variants in NIPBL are known to be pathogenic (PMID: 15318302, 19763162, 23505322, 29995837). This variant is not present in population databases (gnomAD no frequency). ClinVar contains an entry for this variant (Variation ID: 159107). For these reasons, this variant has been classified as Pathogenic.

Genetic Services Laboratory, University of Chicago
Classification: Pathogenic for Cornelia de Lange syndrome 1. Last evaluated: 2013-02-08. Review status: criteria provided, single submitter. Criteria: ACMG Guidelines, 2007. Collection method: clinical testing. Allele origin: germline. Inheritance: Autosomal dominant inheritance. Affected: yes.

Literature cited by the submitters: PubMed 15318302 (cited by Labcorp Genetics (formerly Invitae), Labcorp); PubMed 19763162 (cited by Labcorp Genetics (formerly Invitae), Labcorp); PubMed 23505322 (cited by Labcorp Genetics (formerly Invitae), Labcorp); PubMed 29995837 (cited by Labcorp Genetics (formerly Invitae), Labcorp).

NM_133433.4(NIPBL):c.4143_4144del (p.Arg1381fs)

Gene: NIPBL (NIPBL cohesin loading factor; plus strand). Cytogenetic location: 5p13.2.
Variant type: Microsatellite.
Coding change: c.4143_4144del on transcript NM_133433.4 (MANE Select); coding-DNA positions 4143 to 4144, 2 bases deleted (AG; older notation c.4143_4144delAG).
Protein change: p.Arg1381fs; shifts the reading frame from arginine 1381.
Molecular consequence: frameshift variant.
Genome position (GRCh38, 1-based): chr5:37,007,378-37,007,379, AG deleted; deleting any 2 consecutive bases within chr5:37,007,374-37,007,379 gives the same sequence; the c. name uses the placement nearest the transcript's 3' end. VCF-style (leftmost placement, unchanged base first): chr5-37007373-CAG-C. GRCh37 (hg19) VCF-style: chr5-37007475-CAG-C.
Other names: c.4143_4144del, p.Arg1381fs (NM_015384.5); short protein forms R1381fs.
Identifiers: ClinVar variation 159107 (VCV000159107.10), dbSNP rs587783941, ClinGen allele CA272102.